The following is an entry in ClinVar:

ClinVar aggregate classification (germline): Uncertain significance (1 of 4 stars; one submission).

Submission:

GeneDx
Classification: Uncertain significance. Last evaluated: 2022-10-13. Review status: criteria provided, single submitter. Criteria: GeneDx Variant Classification Process June 2021. Collection method: clinical testing. Allele origin: germline. Affected: yes.
Comment: Not observed at significant frequency in large population cohorts (gnomAD); In silico analysis supports that this missense variant does not alter protein structure/function; Has not been previously published as pathogenic or benign to our knowledge

NM_017780.4(CHD7):c.1864G>A (p.Gly622Ser)

Genes: CHD7 (chromodomain helicase DNA binding protein 7; plus strand), LOC126860403 (CDK7 strongly-dependent group 2 enhancer GRCh37_chr8:61693034-61694233; plus strand). Cytogenetic location: 8q12.2.
Variant type: single nucleotide variant.
Coding change: c.1864G>A on transcript NM_017780.4 (MANE Select); coding-DNA position 1864, G replaced by A.
Protein change: p.Gly622Ser; replaces glycine 622 with serine.
Molecular consequence: missense variant. On other transcripts: intron variant (1).
Genome position (GRCh38, 1-based): chr8:60,781,198, G>A. VCF-style: chr8-60781198-G-A. GRCh37 (hg19) VCF-style: chr8-61693757-G-A.
Other names: c.1716+148G>A (NM_001316690.1); short protein forms G622S.
Identifiers: ClinVar variation 2499195 (VCV002499195.1), dbSNP rs1811208950, ClinGen allele CA371312590.